The following is an entry in ClinVar:

NM_000587.4(C7):c.2210T>C (p.Ile737Thr)

Gene: C7 (complement C7; plus strand). Cytogenetic location: 5p13.1.
Variant type: single nucleotide variant.
Coding change: c.2210T>C on transcript NM_000587.4 (MANE Select); coding-DNA position 2210, T replaced by C.
Protein change: p.Ile737Thr; replaces isoleucine 737 with threonine.
Molecular consequence: missense variant.
Genome position (GRCh38, 1-based): chr5:40,979,769, T>C. VCF-style: chr5-40979769-T-C. GRCh37 (hg19) VCF-style: chr5-40979871-T-C.
Other names: short protein forms I737T.
Identifiers: ClinVar variation 1715572 (VCV001715572.5), dbSNP rs2478284138, ClinGen allele CA359594967.

ClinVar aggregate classification (germline): Uncertain significance (1 of 4 stars; one submission).

Allele frequency attached by ClinVar (database versions not stated): gnomAD exomes below 0.00001.
gnomAD v4.1: 1 of 1,613,728 alleles (0.000062%); highest among the groups gnomAD compares: Non-Finnish European, 0.000085%; no homozygotes.

Submission:

Labcorp Genetics (formerly Invitae), Labcorp
Classification: Uncertain significance. Last evaluated: 2024-03-04. Review status: criteria provided, single submitter. Criteria: Invitae Variant Classification Sherloc (09022015). Collection method: clinical testing. Allele origin: germline.
Comment: This sequence change replaces isoleucine, which is neutral and non-polar, with threonine, which is neutral and polar, at codon 737 of the C7 protein (p.Ile737Thr). This variant is not present in population databases (gnomAD no frequency). This variant has not been reported in the literature in individuals affected with C7-related conditions. ClinVar contains an entry for this variant (Variation ID: 1715572). Advanced modeling of protein sequence and biophysical properties (such as structural, functional, and spatial information, amino acid conservation, physicochemical variation, residue mobility, and thermodynamic stability) performed at Invitae indicates that this missense variant is not expected to disrupt C7 protein function with a negative predictive value of 80%. In summary, the available evidence is currently insufficient to determine the role of this variant in disease. Therefore, it has been classified as a Variant of Uncertain Significance.